The following is an entry in ClinVar:

NM_000032.5(ALAS2):c.1622C>T (p.Thr541Ile)

Gene: ALAS2 (5'-aminolevulinate synthase 2; minus strand). Cytogenetic location: Xp11.21.
Variant type: single nucleotide variant.
Coding change: c.1622C>T on transcript NM_000032.5 (MANE Select); coding-DNA position 1622, C replaced by T.
Protein change: p.Thr541Ile; replaces threonine 541 with isoleucine.
Molecular consequence: missense variant.
Genome position (GRCh38, 1-based): chrX:55,009,322, G>A on the plus strand (C>T on the coding strand, the complement: ALAS2 is on the minus strand). VCF-style: chrX-55009322-G-A. GRCh37 (hg19) VCF-style: chrX-55035755-G-A.
Other names: c.1511C>T, p.Thr504Ile (NM_001037967.4); c.1583C>T, p.Thr528Ile (NM_001037968.4); short protein forms T528I, T504I, T541I.
Identifiers: ClinVar variation 2867811 (VCV002867811.3), dbSNP rs760438491, ClinGen allele CA10428250.

ClinVar aggregate classification (germline): Uncertain significance (1 of 4 stars; one submission).

Allele frequency attached by ClinVar (database versions not stated): gnomAD exomes below 0.00001; ExAC 0.00002.
gnomAD v4.1: 3 of 1,203,071 alleles (0.00025%); highest among the groups gnomAD compares: Non-Finnish European, 0.00022%; no homozygotes.

Submission:

Labcorp Genetics (formerly Invitae), Labcorp
Classification: Uncertain significance. Last evaluated: 2023-12-18. Review status: criteria provided, single submitter. Criteria: Invitae Variant Classification Sherloc (09022015). Collection method: clinical testing. Allele origin: germline.
Comment: This sequence change replaces threonine, which is neutral and polar, with isoleucine, which is neutral and non-polar, at codon 541 of the ALAS2 protein (p.Thr541Ile). The frequency data for this variant in the population databases is considered unreliable, as metrics indicate poor data quality at this position in the gnomAD database. This variant has not been reported in the literature in individuals affected with ALAS2-related conditions. Advanced modeling of protein sequence and biophysical properties (such as structural, functional, and spatial information, amino acid conservation, physicochemical variation, residue mobility, and thermodynamic stability) performed at Invitae indicates that this missense variant is not expected to disrupt ALAS2 protein function with a negative predictive value of 95%. In summary, the available evidence is currently insufficient to determine the role of this variant in disease. Therefore, it has been classified as a Variant of Uncertain Significance.